The following is an entry in ClinVar:

ClinVar aggregate classification (germline): Likely pathogenic (1 of 4 stars; one submission).

Conditions:
Jeune thoracic dystrophy. Also called: Short-rib thoracic dysplasia; Jeune syndrome; Infantile thoracic dystrophy; Thoracic pelvic phalangeal dystrophy; Jeune's syndrome; Chondroectodermal dysplasia-like syndrome. Identifiers: Orphanet 474, MedGen C0265275, MONDO:0018770.

Submission:

Labcorp Genetics (formerly Invitae), Labcorp
Classification: Likely pathogenic for Jeune thoracic dystrophy. Last evaluated: 2026-01-15. Review status: criteria provided, single submitter. Criteria: Invitae Variant Classification Sherloc (09022015). Collection method: clinical testing. Allele origin: germline.
Comment: This sequence change affects a donor splice site in intron 39 of the DYNC2H1 gene. It is expected to disrupt RNA splicing. Variants that disrupt the donor or acceptor splice site typically lead to a loss of protein function (PMID: 16199547), and loss-of-function variants in DYNC2H1 are known to be pathogenic (PMID: 23339108, 32753734, 33755199). This variant is not present in population databases (gnomAD no frequency). This variant has not been reported in the literature in individuals affected with DYNC2H1-related conditions. ClinVar contains an entry for this variant (Variation ID: 580771). Algorithms developed to predict the effect of sequence changes on RNA splicing suggest that this variant may disrupt the consensus splice site. In summary, the currently available evidence indicates that the variant is pathogenic, but additional data are needed to prove that conclusively. Therefore, this variant has been classified as Likely Pathogenic.

Literature cited by the submitters: PubMed 16199547; PubMed 23339108; PubMed 32753734; PubMed 33755199.

NM_001377.3(DYNC2H1):c.6347+1G>A

Gene: DYNC2H1 (dynein cytoplasmic 2 heavy chain 1; plus strand). Cytogenetic location: 11q22.3.
Variant type: single nucleotide variant.
Coding change: c.6347+1G>A on transcript NM_001377.3 (MANE Select); the canonical splice donor site of the intron after coding-DNA position 6347, G replaced by A.
Molecular consequence: splice donor variant.
Genome position (GRCh38, 1-based): chr11:103,179,234, G>A. VCF-style: chr11-103179234-G-A. GRCh37 (hg19) VCF-style: chr11-103049963-G-A.
Other names: c.6347+1G>A (NM_001080463.2).
Identifiers: ClinVar variation 580771 (VCV000580771.7), dbSNP rs1565371538, ClinGen allele CA382247584.